The following is an entry in ClinVar:

NM_152327.5(AK7):c.805G>A (p.Val269Met)

Gene: AK7 (adenylate kinase 7; plus strand). Cytogenetic location: 14q32.2.
Variant type: single nucleotide variant.
Coding change: c.805G>A on transcript NM_152327.5 (MANE Select); coding-DNA position 805, G replaced by A.
Protein change: p.Val269Met; replaces valine 269 with methionine.
Molecular consequence: missense variant.
Genome position (GRCh38, 1-based): chr14:96,446,542, G>A. VCF-style: chr14-96446542-G-A. GRCh37 (hg19) VCF-style: chr14-96912879-G-A.
Other names: c.805G>A (NM_152327.2); c.805G>A, p.Val269Met (NM_001350888.2, NM_001350890.2, NM_001350891.2 and 1 more transcripts); short protein forms V269M.
Identifiers: ClinVar variation 1414001 (VCV001414001.6), dbSNP rs202192874, ClinGen allele CA7337635.

ClinVar aggregate classification (germline): Uncertain significance. Review status: criteria provided, multiple submitters, no conflicts (2 of 4 stars). 2 submissions from 2 submitters: Uncertain significance (2). Last evaluated 2026-01-19.

Allele frequency attached by ClinVar (database versions not stated): TOPMed 0.00001; gnomAD 0.00002; gnomAD exomes 0.00004 and 0.00014; ExAC 0.00012; 1000 Genomes Project 30x 0.00016; 1000 Genomes Project 0.00020.

Submissions (2):

Labcorp Genetics (formerly Invitae), Labcorp
Classification: Uncertain significance. Last evaluated: 2026-01-19. Review status: criteria provided, single submitter. Criteria: Invitae Variant Classification Sherloc (09022015). Collection method: clinical testing. Allele origin: germline.
Comment: This sequence change replaces valine, which is neutral and non-polar, with methionine, which is neutral and non-polar, at codon 269 of the AK7 protein (p.Val269Met). This variant is present in population databases (rs202192874, gnomAD 0.07%). This variant has not been reported in the literature in individuals affected with AK7-related conditions. ClinVar contains an entry for this variant (Variation ID: 1414001). Invitae Evidence Modeling of protein sequence and biophysical properties (such as structural, functional, and spatial information, amino acid conservation, physicochemical variation, residue mobility, and thermodynamic stability) indicates that this missense variant is not expected to disrupt AK7 protein function with a negative predictive value of 80%. In summary, the available evidence is currently insufficient to determine the role of this variant in disease. Therefore, it has been classified as a Variant of Uncertain Significance.

Ambry Genetics
Classification: Uncertain significance. Last evaluated: 2025-12-02. Review status: criteria provided, single submitter. Criteria: Ambry Variant Classification Scheme 2023. Collection method: clinical testing. Allele origin: germline.